The following is an entry in ClinVar:

ClinVar aggregate classification (germline): Likely benign. Review status: criteria provided, single submitter (1 of 4 stars). 2 submissions from 2 submitters: Likely benign (1). 1 of the submissions does not count toward it. Last evaluated 2022-11-01.

Conditions:
KDM2B-related disorder. Also called: KDM2B-related condition.

Allele frequency attached by ClinVar (database versions not stated): gnomAD exomes 0.00028; gnomAD 0.00033; TOPMed 0.00036; ExAC 0.00047; ESP Exome Variant Server 0.00049.
gnomAD v4.1: 479 of 1,613,436 alleles (0.03%); highest among the groups gnomAD compares: Middle Eastern, 0.016%; 3 homozygotes.

Submissions (2):

CeGaT Center for Human Genetics Tuebingen
Classification: Likely benign. Last evaluated: 2022-11-01. Review status: criteria provided, single submitter. Criteria: CeGaT Center For Human Genetics Tuebingen Variant Classification Criteria Version 2. Collection method: clinical testing. Allele origin: germline. Affected: yes. Observed: 1 variant allele.
Comment: KDM2B: BP4, BP7

PreventionGenetics, part of Exact Sciences
Classification: Benign for KDM2B-related condition. Last evaluated: 2019-10-09. Review status: no assertion criteria provided. Collection method: clinical testing. Allele origin: germline. Not counted in ClinVar's aggregate classification.
Comment: This variant is classified as benign based on ACMG/AMP sequence variant interpretation guidelines (Richards et al. 2015 PMID: 25741868, with internal and published modifications).

NM_032590.5(KDM2B):c.1614C>T (p.Ile538=)

Gene: KDM2B (lysine demethylase 2B; minus strand). Cytogenetic location: 12q24.31.
Variant type: single nucleotide variant.
Coding change: c.1614C>T on transcript NM_032590.5 (MANE Select); coding-DNA position 1614, C replaced by T.
Protein change: p.Ile538=; no amino-acid change (isoleucine 538 retained).
Molecular consequence: synonymous variant.
Genome position (GRCh38, 1-based): chr12:121,509,600, G>A on the plus strand (C>T on the coding strand, the complement: KDM2B is on the minus strand). VCF-style: chr12-121509600-G-A. GRCh37 (hg19) VCF-style: chr12-121947403-G-A.
Other names: c.1521C>T, p.Ile507= (NM_001005366.2); c.1614C>T (NM_032590.4).
Identifiers: ClinVar variation 2643407 (VCV002643407.25), dbSNP rs200296333, ClinGen allele CA6836880.
Genomic context (GRCh38, chr12:121,509,600, plus strand): 5'-CCAGCCCCAGACGCCACTCCTGCCCACCTTCACACCCTCCAGGAGTGCCTGGGGGTCCTC[G>A]ATGCCCTCGGGGACACACTTCTTGTTCTCCGGGAGGGATTCCAGTTTCTCCACCAGAGCT-3'
Protein context (NP_115979.3, residues 528-548): PENKKCVPEG[Ile538=]EDPQALLEGV